The following is an entry in ClinVar:

NM_024422.6(DSC2):c.2431G>T (p.Gly811Ter)

Gene: DSC2 (desmocollin 2; minus strand). Cytogenetic location: 18q12.1.
Variant type: single nucleotide variant.
Coding change: c.2431G>T on transcript NM_024422.6 (MANE Select); coding-DNA position 2431, G replaced by T.
Protein change: p.Gly811Ter; replaces glycine 811 with a stop codon.
Molecular consequence: nonsense.
Genome position (GRCh38, 1-based): chr18:31,068,971, C>A on the plus strand (G>T on the coding strand, the complement: DSC2 is on the minus strand). VCF-style: chr18-31068971-C-A. GRCh37 (hg19) VCF-style: chr18-28648937-C-A.
Other names: c.2002G>T, p.Gly668Ter (NM_001406506.1, NM_001406507.1); c.2431G>T, p.Gly811Ter (NM_004949.5); short protein forms G668*, G811*.
Identifiers: ClinVar variation 1791176 (VCV001791176.5), dbSNP rs1336396788, ClinGen allele CA402111289.
Genomic context (GRCh38, chr18:31,068,971, plus strand): 5'-GAGTAAAACTGTGCCACTCCGAGTAAGTGTATCTGCAGTTGTCCACCTCCGTGTGTCCTC[C>A]CCTGCAGGAGTCCAGGGTGTGATGGTGGCCAGCCCCCCGGCAGGATTCCGAGGTCTGGTG-3'

ClinVar aggregate classification (germline): Conflicting classifications of pathogenicity. Review status: criteria provided, conflicting classifications (1 of 4 stars). 3 submissions from 3 submitters: Pathogenic (2); Uncertain significance (1). Last evaluated 2024-11-18.

Conditions:
Cardiovascular phenotype. Identifiers: MedGen CN230736.
Familial isolated arrhythmogenic right ventricular dysplasia. Identifiers: Orphanet 217656, MedGen C4274968, MONDO:0016342.
Arrhythmogenic right ventricular dysplasia 11. Also called: Arrhythmogenic Right Ventricular Dysplasia/Cardiomyopathy11; ARRHYTHMOGENIC RIGHT VENTRICULAR DYSPLASIA, FAMILIAL, 11; Arrhythmogenic right ventricular dysplasia 11 with mild palmoplantar keratoderma and woolly hair. Identifiers: MedGen C1864850, MONDO:0012506, OMIM 610476.

gnomAD v4.1: 1 of 1,614,058 alleles (0.000062%); highest among the groups gnomAD compares: African/African-American, 0.0013%; no homozygotes.

Submissions (3):

Labcorp Genetics (formerly Invitae), Labcorp
Classification: Pathogenic for Arrhythmogenic right ventricular dysplasia 11. Last evaluated: 2024-11-18. Review status: criteria provided, single submitter. Criteria: Invitae Variant Classification Sherloc (09022015). Collection method: clinical testing. Allele origin: germline.
Comment: This sequence change creates a premature translational stop signal (p.Gly811*) in the DSC2 gene. It is expected to result in an absent or disrupted protein product. Loss-of-function variants in DSC2 are known to be pathogenic (PMID: 23911551). This variant is not present in population databases (gnomAD no frequency). This variant has not been reported in the literature in individuals affected with DSC2-related conditions. ClinVar contains an entry for this variant (Variation ID: 1791176). Algorithms developed to predict the effect of sequence changes on RNA splicing suggest that this variant may disrupt the consensus splice site. For these reasons, this variant has been classified as Pathogenic.

All of Us Research Program, National Institutes of Health
Classification: Uncertain significance for Familial isolated arrhythmogenic right ventricular dysplasia. Last evaluated: 2024-09-23. Review status: criteria provided, single submitter. Criteria: ACMG Guidelines, 2015. Collection method: clinical testing. Allele origin: germline. Inheritance: Autosomal dominant inheritance. Observed: 1 variant allele, 1 heterozygote.
Comment: This study involves interpretation of variants in research participants for the purpose of population health screening. Participant phenotype was not available at the time of variant classification. Additional details can be found in publication PMID: 35346344, PMCID: PMC8962531

Ambry Genetics
Classification: Pathogenic for Cardiovascular phenotype. Last evaluated: 2020-07-29. Review status: criteria provided, single submitter. Criteria: Ambry Variant Classification Scheme 2023. Collection method: clinical testing. Allele origin: germline.
Comment: The p.G811* variant (also known as c.2431G>T), located in coding exon 15 of the DSC2 gene, results from a G to T substitution at nucleotide position 2431. This changes the amino acid from a glycine to a stop codon within coding exon 15. This alteration is expected to result in loss of function by premature protein truncation or nonsense-mediated mRNA decay. As such, this alteration is interpreted as a disease-causing mutation.

Literature cited by the submitters: PubMed 23911551 (cited by Labcorp Genetics (formerly Invitae), Labcorp).